The following is an entry in ClinVar:

NM_000465.4(BARD1):c.103dup (p.Ala35fs)

Gene: BARD1 (BRCA1 associated RING domain 1; minus strand). Cytogenetic location: 2q35.
Variant type: Duplication.
Coding change: c.103dup on transcript NM_000465.4 (MANE Select); coding-DNA position 103, one base duplicated (G; older notation c.103dupG).
Protein change: p.Ala35fs; shifts the reading frame from alanine 35.
Molecular consequence: frameshift variant. On other transcripts: non-coding transcript variant (3).
Genome position (GRCh38, 1-based): chr2:214,809,467, C duplicated on the plus strand (G on the coding strand, the reverse complement: BARD1 is on the minus strand); the first of 3 consecutive C bases (chr2:214,809,467-214,809,469); duplicating any one gives the same sequence. VCF-style (leftmost placement, unchanged base first): chr2-214809466-G-GC. GRCh37 (hg19) VCF-style: chr2-215674190-G-GC.
Other names: c.103dup, p.Ala35fs (NM_001282543.2, NM_001282545.2, NM_001282548.2 and 1 more transcripts); short protein forms A35fs.
Identifiers: ClinVar variation 2583483 (VCV002583483.2), dbSNP rs2469638231, ClinGen allele CA2582342126.
Genomic context (GRCh38, chr2:214,809,466, plus strand): 5'-CTTTACCAACGCGAGCAGCGCAGCAGCTTCTCCAGGCGGTCGAGCGCGGCGCGACTGTGG[G>GC]CCCAGGCACCGCGACCATCCGGTTCCATGGCGGGCGCGGAACGAGGCTCGTTCCCGGAGC-3'

ClinVar aggregate classification (germline): Pathogenic (1 of 4 stars; one submission).

Conditions:
Familial cancer of breast. Also called: Hereditary breast cancer; BREAST CANCER, FAMILIAL; hereditary breast carcinoma. Identifiers: Orphanet 227535, MedGen C0346153, MONDO:0016419, OMIM 114480. Disease mechanism: loss of function.

Submission:

Myriad Genetics, Inc.
Classification: Pathogenic for Familial cancer of breast. Last evaluated: 2023-05-18. Review status: criteria provided, single submitter. Criteria: Myriad Autosomal Dominant, Autosomal Recessive and X-Linked Classification Criteria (2023). Collection method: clinical testing. Allele origin: unknown.
Comment: This variant is considered pathogenic. This variant creates a frameshift predicted to result in premature protein truncation.